The following is an entry in ClinVar:

NM_001710.6(CFB):c.758C>A (p.Pro253Gln)

Gene: CFB (complement factor B; plus strand). Cytogenetic location: 6p21.33.
Variant type: single nucleotide variant.
Coding change: c.758C>A on transcript NM_001710.6 (MANE Select); coding-DNA position 758, C replaced by A.
Protein change: p.Pro253Gln; replaces proline 253 with glutamine.
Molecular consequence: missense variant.
Genome position (GRCh38, 1-based): chr6:31,947,841, C>A. VCF-style: chr6-31947841-C-A. GRCh37 (hg19) VCF-style: chr6-31915618-C-A.
Other names: short protein forms P253Q.
Identifiers: ClinVar variation 2964903 (VCV002964903.3), dbSNP rs1013227852, ClinGen allele CA136894555.

ClinVar aggregate classification (germline): Uncertain significance (1 of 4 stars; one submission).

Allele frequency attached by ClinVar (database versions not stated): gnomAD exomes 0.00001.

Submission:

Labcorp Genetics (formerly Invitae), Labcorp
Classification: Uncertain significance. Last evaluated: 2024-01-29. Review status: criteria provided, single submitter. Criteria: Invitae Variant Classification Sherloc (09022015). Collection method: clinical testing. Allele origin: germline.
Comment: This sequence change replaces proline, which is neutral and non-polar, with glutamine, which is neutral and polar, at codon 253 of the CFB protein (p.Pro253Gln). This variant is not present in population databases (gnomAD no frequency). This variant has not been reported in the literature in individuals affected with CFB-related conditions. An algorithm developed to predict the effect of missense changes on protein structure and function (PolyPhen-2) suggests that this variant is likely to be tolerated. In summary, the available evidence is currently insufficient to determine the role of this variant in disease. Therefore, it has been classified as a Variant of Uncertain Significance.